The following is an entry in ClinVar:

ClinVar aggregate classification (germline): Uncertain significance (1 of 4 stars; one submission).

Submission:

Labcorp Genetics (formerly Invitae), Labcorp
Classification: Uncertain significance. Last evaluated: 2023-06-21. Review status: criteria provided, single submitter. Criteria: Invitae Variant Classification Sherloc (09022015). Collection method: clinical testing. Allele origin: germline.
Comment: In summary, the available evidence is currently insufficient to determine the role of this variant in disease. Therefore, it has been classified as a Variant of Uncertain Significance. Advanced modeling of protein sequence and biophysical properties (such as structural, functional, and spatial information, amino acid conservation, physicochemical variation, residue mobility, and thermodynamic stability) performed at Invitae indicates that this missense variant is expected to disrupt TNFAIP3 protein function. This variant has not been reported in the literature in individuals affected with TNFAIP3-related conditions. This variant is not present in population databases (gnomAD no frequency). This sequence change replaces tyrosine, which is neutral and polar, with cysteine, which is neutral and slightly polar, at codon 306 of the TNFAIP3 protein (p.Tyr306Cys).

NM_001270508.2(TNFAIP3):c.917A>G (p.Tyr306Cys)

Gene: TNFAIP3 (TNF alpha induced protein 3; plus strand). Cytogenetic location: 6q23.3.
Variant type: single nucleotide variant.
Coding change: c.917A>G on transcript NM_001270508.2 (MANE Select); coding-DNA position 917, A replaced by G.
Protein change: p.Tyr306Cys; replaces tyrosine 306 with cysteine.
Molecular consequence: missense variant.
Genome position (GRCh38, 1-based): chr6:137,877,187, A>G. VCF-style: chr6-137877187-A-G. GRCh37 (hg19) VCF-style: chr6-138198324-A-G.
Other names: c.917A>G, p.Tyr306Cys (NM_006290.4, NM_001270507.2); short protein forms Y306C.
Identifiers: ClinVar variation 2721789 (VCV002721789.3), dbSNP rs2482743205, ClinGen allele CA365787448.